The following is an entry in ClinVar:

NM_001242957.3(MAK):c.278+1G>T

Gene: MAK (male germ cell associated kinase; minus strand). Cytogenetic location: 6p24.2.
Variant type: single nucleotide variant.
Coding change: c.278+1G>T on transcript NM_001242957.3 (MANE Select); the canonical splice donor site of the intron after coding-DNA position 278, G replaced by T.
Molecular consequence: splice donor variant.
Genome position (GRCh38, 1-based): chr6:10,817,849, C>A on the plus strand (G>T on the coding strand, the complement: MAK is on the minus strand). VCF-style: chr6-10817849-C-A. GRCh37 (hg19) VCF-style: chr6-10818082-C-A.
Other names: c.176+1G>T (NM_001377262.1); c.278+1G>T (NM_005906.6, NM_001242385.2).
Identifiers: ClinVar variation 3643900 (VCV003643900.2).

ClinVar aggregate classification (germline): Likely pathogenic (1 of 4 stars; one submission).

gnomAD v4.1: 2 of 1,490,898 alleles (0.00013%); highest among the groups gnomAD compares: South Asian, 0.0011%; no homozygotes.

Submission:

Labcorp Genetics (formerly Invitae), Labcorp
Classification: Likely pathogenic. Last evaluated: 2026-01-13. Review status: criteria provided, single submitter. Criteria: Invitae Variant Classification Sherloc (09022015). Collection method: clinical testing. Allele origin: germline.
Comment: This sequence change affects a donor splice site in intron 3 of the MAK gene. It is expected to disrupt RNA splicing. Variants that disrupt the donor or acceptor splice site typically lead to a loss of protein function (PMID: 16199547), and loss-of-function variants in MAK are known to be pathogenic (PMID: 21148103, 21825139, 24938718, 29781741). This variant is present in population databases (rs535917344, gnomAD 0.0009%). This variant has not been reported in the literature in individuals affected with MAK-related conditions. ClinVar contains an entry for this variant (Variation ID: 3643900). Algorithms developed to predict the effect of sequence changes on RNA splicing suggest that this variant may disrupt the consensus splice site. In summary, the currently available evidence indicates that the variant is pathogenic, but additional data are needed to prove that conclusively. Therefore, this variant has been classified as Likely Pathogenic.

Literature cited by the submitters: PubMed 16199547; PubMed 21148103; PubMed 21825139; PubMed 24938718; PubMed 29781741.